The following is an entry in ClinVar:

NM_015057.5(MYCBP2):c.532A>G (p.Ser178Gly)

Gene: MYCBP2 (MYC binding protein 2; minus strand). Cytogenetic location: 13q22.3.
Variant type: single nucleotide variant.
Coding change: c.532A>G on transcript NM_015057.5 (MANE Select); coding-DNA position 532, A replaced by G.
Protein change: p.Ser178Gly; replaces serine 178 with glycine.
Molecular consequence: missense variant.
Genome position (GRCh38, 1-based): chr13:77,288,223, T>C on the plus strand (A>G on the coding strand, the complement: MYCBP2 is on the minus strand). VCF-style: chr13-77288223-T-C. GRCh37 (hg19) VCF-style: chr13-77862358-T-C.
Other names: short protein forms S178G.
Identifiers: ClinVar variation 3370819 (VCV003370819.1).
Genomic context (GRCh38, chr13:77,288,223, plus strand): 5'-TTGGAAGCTTGATAGGGGGCTCTTTGGATTCCTCTTCTTCATCACTATCTGATTCTCCAC[T>C]CTGCACAGAGTTCTTAGATGCGGCTGCCAATGATATTTCCTTTTTCTGCCATTCCAGAAC-3'
Protein context (NP_055872.4, residues 168-188): LAAASKNSVQ[Ser178Gly]GESDSDEEEE

ClinVar aggregate classification (germline): Uncertain significance (1 of 4 stars; one submission).

Submission:

GeneDx
Classification: Uncertain significance. Last evaluated: 2024-03-17. Review status: criteria provided, single submitter. Criteria: GeneDx Variant Classification Process June 2021. Collection method: clinical testing. Allele origin: germline. Affected: yes.
Comment: Not observed at significant frequency in large population cohorts (gnomAD); In silico analysis supports that this missense variant does not alter protein structure/function; Has not been previously published as pathogenic or benign to our knowledge